The following is an entry in ClinVar:

ClinVar aggregate classification (germline): Uncertain significance (1 of 4 stars; one submission).

Conditions:
TRPC5-related disorder. Also called: TRPC5-related condition.

Submission:

PreventionGenetics, part of Exact Sciences
Classification: Uncertain significance for TRPC5-related condition. Last evaluated: 2026-01-18. Review status: criteria provided, single submitter. Criteria: ACMG Guidelines, 2015. Collection method: clinical testing. Allele origin: germline.
Comment: The TRPC5 c.967C>T variant is predicted to result in the amino acid substitution p.Arg323Trp. To our knowledge, this variant has not been reported in the literature or in a large population database (gnomAD), indicating this variant is rare. At this time, the clinical significance of this variant is uncertain due to the absence of conclusive functional and genetic evidence.

NM_012471.3(TRPC5):c.967C>T (p.Arg323Trp)

Gene: TRPC5 (transient receptor potential cation channel subfamily C member 5; minus strand). Cytogenetic location: Xq23.
Variant type: single nucleotide variant.
Coding change: c.967C>T on transcript NM_012471.3 (MANE Select); coding-DNA position 967, C replaced by T.
Protein change: p.Arg323Trp; replaces arginine 323 with tryptophan.
Molecular consequence: missense variant.
Genome position (GRCh38, 1-based): chrX:111,854,040, G>A on the plus strand (C>T on the coding strand, the complement: TRPC5 is on the minus strand). VCF-style: chrX-111854040-G-A. GRCh37 (hg19) VCF-style: chrX-111097268-G-A.
Other names: short protein forms R323W.
Identifiers: ClinVar variation 4992007 (VCV004992007.1).